The following is an entry in ClinVar:

NM_003742.4(ABCB11):c.2179-17C>A

Gene: ABCB11 (ATP binding cassette subfamily B member 11; minus strand). Cytogenetic location: 2q31.1.
Variant type: single nucleotide variant.
Coding change: c.2179-17C>A on transcript NM_003742.4 (MANE Select); 17 bases into the intron before coding-DNA position 2179, C replaced by A.
Molecular consequence: intron variant.
Genome position (GRCh38, 1-based): chr2:168,958,145, G>T on the plus strand (C>A on the coding strand, the complement: ABCB11 is on the minus strand). VCF-style: chr2-168958145-G-T. GRCh37 (hg19) VCF-style: chr2-169814655-G-T.
Other names: p.?; c.2179-17C>A (LRG_1199t1).
Identifiers: ClinVar variation 259147 (VCV000259147.21), dbSNP rs853772, ClinGen allele CA1951337.
Genomic context (GRCh38, chr2:168,958,145, plus strand): 5'-ACTGGGGCAGGTTCAACTTCTTCCTGCACAGGAATGTCCTTGTCCTTGAGCAGAGAGAGG[G>T]TTATATTAATCATCTAAATGTACTCAAGACATTTTGCAGCAGATCCTTTGGCATTCACAG-3'

ClinVar aggregate classification (germline): Benign. Review status: criteria provided, multiple submitters, no conflicts (2 of 4 stars). 11 submissions from 10 submitters: Benign (9). 2 of the submissions do not count toward it. Last evaluated 2026-04-14.

Conditions:
Progressive familial intrahepatic cholestasis type 2. Identifiers: Orphanet 79304, MedGen C3489789, MONDO:0011156, OMIM 601847.
Benign recurrent intrahepatic cholestasis type 2 (BRIC2). Also called: Recurrent familial intrahepatic cholestasis 2. Identifiers: Orphanet 65682, Orphanet 99961, MedGen C2608083, MONDO:0011559, OMIM 605479.
Familial intrahepatic cholestasis. Identifiers: Orphanet 284385, MedGen CN296401, MONDO:0017290.

Allele frequency attached by ClinVar (database versions not stated): ESP Exome Variant Server 0.45057; TOPMed 0.45338; gnomAD 0.45482 and 0.46354; 1000 Genomes Project 30x 0.48954; 1000 Genomes Project 0.49760; ExAC 0.53985.
gnomAD v4.1: 844,544 of 1,605,162 alleles (53%); highest among the groups gnomAD compares: South Asian, 65%; 226,548 homozygotes.

Submissions (11):

Genomenon, Inc
Classification: Benign for Familial intrahepatic cholestasis. Last evaluated: 2026-04-14. Review status: criteria provided, single submitter. Criteria: Genomenon Sequence Variant Interpretation Standards - Updated. Collection method: curation. Allele origin: germline. Affected: no.
Comment: ABCB11 c.2179-17C>A is an intronic variant located in the acceptor splice region of intron 18. This variant is present at high allele frequency in population databases. In conclusion, we classify ABCB11 c.2179-17C>A as a benign variant.

Labcorp Genetics (formerly Invitae), Labcorp
Classification: Benign. Last evaluated: 2026-02-04. Review status: criteria provided, single submitter. Criteria: Invitae Variant Classification Sherloc (09022015). Collection method: clinical testing. Allele origin: germline.

Blueprint Genetics
Classification: Benign. Last evaluated: 2024-11-26. Review status: criteria provided, single submitter. Criteria: ACMG Guidelines, 2015. Collection method: clinical testing. Allele origin: germline.

Mayo Clinic Laboratories, Mayo Clinic
Classification: Benign. Last evaluated: 2022-05-05. Review status: criteria provided, single submitter. Criteria: ACMG Guidelines, 2015. Collection method: clinical testing. Allele origin: germline. Observed: 391 variant alleles.

Genome-Nilou Lab
Classification: Benign for Benign recurrent intrahepatic cholestasis type 2. Last evaluated: 2021-07-10. Review status: criteria provided, single submitter. Criteria: ACMG Guidelines, 2015. Collection method: clinical testing. Allele origin: germline. Affected: no.

Genome-Nilou Lab
Classification: Benign for Progressive familial intrahepatic cholestasis type 2. Last evaluated: 2021-07-10. Review status: criteria provided, single submitter. Criteria: ACMG Guidelines, 2015. Collection method: clinical testing. Allele origin: germline. Affected: no.

GeneDx
Classification: Benign. Last evaluated: 2015-12-02. Review status: criteria provided, single submitter. Criteria: GeneDx Variant Classification (06012015). Collection method: clinical testing. Allele origin: germline. Affected: yes.
Comment: This variant is considered likely benign or benign based on one or more of the following criteria: it is a conservative change, it occurs at a poorly conserved position in the protein, it is predicted to be benign by multiple in silico algorithms, and/or has population frequency not consistent with disease.

Breakthrough Genomics
Classification: Benign. Review status: criteria provided, single submitter. Criteria: ACMG Guidelines, 2015. Collection method: not provided. Allele origin: germline. Inheritance: Autosomal recessive inheritance. Affected: yes.

PreventionGenetics, part of Exact Sciences
Classification: Benign. Review status: criteria provided, single submitter. Criteria: ACMG Guidelines, 2015. Collection method: clinical testing. Allele origin: germline.

Diagnostic Laboratory, Department of Genetics, University Medical Center Groningen
Classification: Benign. Review status: no assertion criteria provided. Collection method: clinical testing. Allele origin: germline. Affected: yes. Study: VKGL Data-share Consensus. Not counted in ClinVar's aggregate classification.

Joint Genome Diagnostic Labs from Nijmegen and Maastricht, Radboudumc and MUMC+
Classification: Benign. Review status: no assertion criteria provided. Collection method: clinical testing. Allele origin: germline. Affected: yes. Study: VKGL Data-share Consensus. Not counted in ClinVar's aggregate classification.